The following is an entry in ClinVar:

ClinVar aggregate classification (germline): Uncertain significance (1 of 4 stars; one submission).

Conditions:
Cystic fibrosis (CF). Also called: MUCOVISCIDOSIS. Identifiers: Orphanet 586, MedGen C0010674, MONDO:0009061, OMIM 219700. Disease mechanism: loss of function.

Submission:

Ambry Genetics
Classification: Uncertain significance for Cystic fibrosis. Last evaluated: 2023-10-21. Review status: criteria provided, single submitter. Criteria: Ambry Variant Classification Scheme 2023. Collection method: clinical testing. Allele origin: germline.
Comment: The p.F143S variant (also known as c.428T>C), located in coding exon 4 of the CFTR gene, results from a T to C substitution at nucleotide position 428. The phenylalanine at codon 143 is replaced by serine, an amino acid with highly dissimilar properties. This amino acid position is conserved. In addition, this alteration is predicted to be deleterious by in silico analysis. Since supporting evidence is limited at this time, the clinical significance of this alteration remains unclear.

NM_000492.4(CFTR):c.428T>C (p.Phe143Ser)

Gene: CFTR (CF transmembrane conductance regulator; plus strand). Cytogenetic location: 7q31.2.
Variant type: single nucleotide variant.
Coding change: c.428T>C on transcript NM_000492.4 (MANE Select); coding-DNA position 428, T replaced by C.
Protein change: p.Phe143Ser; replaces phenylalanine 143 with serine.
Molecular consequence: missense variant.
Genome position (GRCh38, 1-based): chr7:117,531,053, T>C. VCF-style: chr7-117531053-T-C. GRCh37 (hg19) VCF-style: chr7-117171107-T-C.
Other names: short protein forms F143S.
Identifiers: ClinVar variation 3231917 (VCV003231917.1), dbSNP rs2485009600, ClinGen allele CA368974791.